The following is an entry in ClinVar:

NM_152743.4(BRAT1):c.528G>A (p.Met176Ile)

Gene: BRAT1 (BRCA1 associated ATM activator 1; minus strand). Cytogenetic location: 7p22.3.
Variant type: single nucleotide variant.
Coding change: c.528G>A on transcript NM_152743.4 (MANE Select); coding-DNA position 528, G replaced by A.
Protein change: p.Met176Ile; replaces methionine 176 with isoleucine.
Molecular consequence: missense variant. On other transcripts: initiator codon variant (1), non-coding transcript variant (1).
Genome position (GRCh38, 1-based): chr7:2,543,865, C>T on the plus strand (G>A on the coding strand, the complement: BRAT1 is on the minus strand). VCF-style: chr7-2543865-C-T. GRCh37 (hg19) VCF-style: chr7-2583499-C-T.
Other names: c.528G>A, p.Met176Ile (NM_001350626.2); c.3G>A, p.Met1Ile (NM_001350627.2); short protein forms M176I, M1I.
Identifiers: ClinVar variation 3776015 (VCV003776015.1).
Genomic context (GRCh38, chr7:2,543,865, plus strand): 5'-CTGGGCACACGCGGGCCAGTCACCCCCCGGCAGGCAGGGCTGCCCCTCGGCTCCACCTCG[C>T]ATGGACAAAGCCAGGACGTGCACCAGGAGCTGACTGGCCGCCGAGGCCACAAACAGGCTG-3'
Protein context (NP_689956.2, residues 166-186): QLLVHVLALS[Met176Ile]RGGAEGQPCL

ClinVar aggregate classification (germline): Uncertain significance (1 of 4 stars; one submission).

Conditions:
Neurodevelopmental disorder with cerebellar atrophy and with or without seizures. Identifiers: MedGen C4748032, MONDO:0020841, OMIM 618056.

Submission:

3billion
Classification: Uncertain significance for Neurodevelopmental disorder with cerebellar atrophy and with or without seizures. Last evaluated: 2023-11-10. Review status: criteria provided, single submitter. Criteria: ACMG Guidelines, 2015. Collection method: clinical testing. Allele origin: germline. Affected: yes.
Comment: The variant is not observed in the gnomAD v2.1.1 dataset. Predicted Consequence/Location: Start-lost: reinitiation of translation may occur at a downstream alternate start codon but still result in a loss or disruption of normal protein function as there have been pathogenic variants reported upstream of the alternate start codon. Therefore, this variant is classified as VUS according to the recommendation of ACMG/AMP guideline.